The following is an entry in ClinVar:

NM_000321.3(RB1):c.892C>T (p.Pro298Ser)

Gene: RB1 (RB transcriptional corepressor 1; plus strand). Cytogenetic location: 13q14.2.
Variant type: single nucleotide variant.
Coding change: c.892C>T on transcript NM_000321.3 (MANE Select); coding-DNA position 892, C replaced by T.
Protein change: p.Pro298Ser; replaces proline 298 with serine.
Molecular consequence: missense variant.
Genome position (GRCh38, 1-based): chr13:48,364,924, C>T. VCF-style: chr13-48364924-C-T. GRCh37 (hg19) VCF-style: chr13-48939060-C-T.
Other names: short protein forms P298S.
Identifiers: ClinVar variation 1437751 (VCV001437751.8), dbSNP rs2138116427, ClinGen allele CA388159946.

ClinVar aggregate classification (germline): Uncertain significance (1 of 4 stars; one submission).

Conditions:
Retinoblastoma (RB1). Also called: RETINOBLASTOMA, SOMATIC. Identifiers: Orphanet 790, MedGen C0035335, MeSH D012175, MONDO:0008380, OMIM 180200, HP:0009919. Disease mechanism: loss of function. Inheritance: Both sporadic and heritable forms are tested..

Submission:

Labcorp Genetics (formerly Invitae), Labcorp
Classification: Uncertain significance for Retinoblastoma. Last evaluated: 2022-12-02. Review status: criteria provided, single submitter. Criteria: Invitae Variant Classification Sherloc (09022015). Collection method: clinical testing. Allele origin: germline.
Comment: In summary, the available evidence is currently insufficient to determine the role of this variant in disease. Therefore, it has been classified as a Variant of Uncertain Significance. Advanced modeling of protein sequence and biophysical properties (such as structural, functional, and spatial information, amino acid conservation, physicochemical variation, residue mobility, and thermodynamic stability) performed at Invitae indicates that this missense variant is not expected to disrupt RB1 protein function. ClinVar contains an entry for this variant (Variation ID: 1437751). This variant has not been reported in the literature in individuals affected with RB1-related conditions. This variant is not present in population databases (gnomAD no frequency). This sequence change replaces proline, which is neutral and non-polar, with serine, which is neutral and polar, at codon 298 of the RB1 protein (p.Pro298Ser).